The following is an entry in ClinVar:

ClinVar aggregate classification (germline): Uncertain significance. Review status: criteria provided, multiple submitters, no conflicts (2 of 4 stars). 2 submissions from 2 submitters: Uncertain significance (2). Last evaluated 2025-10-25.

Conditions:
Familial cancer of breast. Also called: BREAST CANCER, FAMILIAL; Hereditary breast cancer; hereditary breast carcinoma. Identifiers: Orphanet 227535, MedGen C0346153, MONDO:0016419, OMIM 114480. Disease mechanism: loss of function.
Hereditary cancer-predisposing syndrome. Also called: Hereditary neoplastic syndrome; Neoplastic Syndromes, Hereditary; Hereditary Cancer Syndrome; Tumor predisposition. Identifiers: Orphanet 140162, MedGen C0027672, MeSH D009386, MONDO:0015356.

Allele frequency attached by ClinVar (database versions not stated): gnomAD 0.00001.
gnomAD v4.1: 1 of 1,576,736 alleles (0.000063%); highest among the groups gnomAD compares: Admixed American, 0.0017%; no homozygotes.

Submissions (2):

Ambry Genetics
Classification: Uncertain significance for Hereditary cancer-predisposing syndrome. Last evaluated: 2025-10-25. Review status: criteria provided, single submitter. Criteria: Ambry Variant Classification Scheme 2023. Collection method: clinical testing. Allele origin: germline.
Comment: The p.I944M variant (also known as c.2832C>G), located in coding exon 8 of the PALB2 gene, results from a C to G substitution at nucleotide position 2832. The isoleucine at codon 944 is replaced by methionine, an amino acid with highly similar properties. This amino acid position is conserved. In addition, this alteration is predicted to be tolerated by in silico analysis. Since supporting evidence is limited at this time, the clinical significance of this alteration remains unclear.

Labcorp Genetics (formerly Invitae), Labcorp
Classification: Uncertain significance for Familial cancer of breast. Last evaluated: 2017-09-05. Review status: criteria provided, single submitter. Criteria: Invitae Variant Classification Sherloc (09022015). Collection method: clinical testing. Allele origin: germline.
Comment: In summary, the available evidence is currently insufficient to determine the role of this variant in disease. Therefore, it has been classified as a Variant of Uncertain Significance. Algorithms developed to predict the effect of missense changes on protein structure and function do not agree on the potential impact of this missense change (SIFT: "Deleterious"; PolyPhen-2: "Probably Damaging"; Align-GVGD: "Class C0"). This variant has not been reported in the literature in individuals with PALB2-related disease. This variant is not present in population databases (ExAC no frequency). This sequence change replaces isoleucine with methionine at codon 944 of the PALB2 protein (p.Ile944Met). The isoleucine residue is highly conserved and there is a small physicochemical difference between isoleucine and methionine.

NM_024675.4(PALB2):c.2832C>G (p.Ile944Met)

Gene: PALB2 (partner and localizer of BRCA2; minus strand). Cytogenetic location: 16p12.2.
Variant type: single nucleotide variant.
Coding change: c.2832C>G on transcript NM_024675.4 (MANE Select); coding-DNA position 2832, C replaced by G.
Protein change: p.Ile944Met; replaces isoleucine 944 with methionine.
Molecular consequence: missense variant.
Genome position (GRCh38, 1-based): chr16:23,624,011, G>C on the plus strand (C>G on the coding strand, the complement: PALB2 is on the minus strand). VCF-style: chr16-23624011-G-C. GRCh37 (hg19) VCF-style: chr16-23635332-G-C.
Other names: short protein forms I944M.
Identifiers: ClinVar variation 530134 (VCV000530134.13), dbSNP rs1555459704, ClinGen allele CA395144776.